The following is an entry in ClinVar:

NM_000147.5(FUCA1):c.1126C>T (p.Arg376Trp)

Gene: FUCA1 (alpha-L-fucosidase 1; minus strand). Cytogenetic location: 1p36.11.
Variant type: single nucleotide variant.
Coding change: c.1126C>T on transcript NM_000147.5 (MANE Select); coding-DNA position 1126, C replaced by T.
Protein change: p.Arg376Trp; replaces arginine 376 with tryptophan.
Molecular consequence: missense variant.
Genome position (GRCh38, 1-based): chr1:23,848,683, G>A on the plus strand (C>T on the coding strand, the complement: FUCA1 is on the minus strand). VCF-style: chr1-23848683-G-A. GRCh37 (hg19) VCF-style: chr1-24175173-G-A.
Other names: short protein forms R376W.
Identifiers: ClinVar variation 1418772 (VCV001418772.4), dbSNP rs548735209, ClinGen allele CA686356.

ClinVar aggregate classification (germline): Uncertain significance (1 of 4 stars; one submission).

Conditions:
Fucosidosis. Also called: ALPHA-L-FUCOSIDASE DEFICIENCY. Identifiers: Orphanet 349, MedGen C0016788, MONDO:0009254, OMIM 230000.

Allele frequency attached by ClinVar (database versions not stated): TOPMed below 0.00001; gnomAD 0.00001; gnomAD exomes 0.00001 and 0.00004; ExAC 0.00002.
gnomAD v4.1: 22 of 1,613,976 alleles (0.0014%); highest among the groups gnomAD compares: South Asian, 0.011%; no homozygotes.

Submission:

Labcorp Genetics (formerly Invitae), Labcorp
Classification: Uncertain significance for Fucosidosis. Last evaluated: 2022-07-06. Review status: criteria provided, single submitter. Criteria: Invitae Variant Classification Sherloc (09022015). Collection method: clinical testing. Allele origin: germline.
Comment: This sequence change replaces arginine, which is basic and polar, with tryptophan, which is neutral and slightly polar, at codon 376 of the FUCA1 protein (p.Arg376Trp). This variant is present in population databases (rs548735209, gnomAD 0.02%). This variant has not been reported in the literature in individuals affected with FUCA1-related conditions. ClinVar contains an entry for this variant (Variation ID: 1418772). Algorithms developed to predict the effect of missense changes on protein structure and function are either unavailable or do not agree on the potential impact of this missense change (SIFT: "Deleterious"; PolyPhen-2: "Probably Damaging"; Align-GVGD: "Class C0"). Algorithms developed to predict the effect of sequence changes on RNA splicing suggest that this variant may create or strengthen a splice site. In summary, the available evidence is currently insufficient to determine the role of this variant in disease. Therefore, it has been classified as a Variant of Uncertain Significance.